The following is an entry in ClinVar:

ClinVar aggregate classification (germline): Likely pathogenic. Review status: criteria provided, single submitter (1 of 4 stars). 2 submissions from 2 submitters: Likely pathogenic (1). 1 of the submissions does not count toward it. Last evaluated 2025-01-09.

Conditions:
Autosomal recessive nonsyndromic hearing loss 7. Also called: DEAFNESS, AUTOSOMAL RECESSIVE 11. Identifiers: Orphanet 90636, MedGen C1832978, MONDO:0010967, OMIM 600974.

Allele frequency attached by ClinVar (database versions not stated): gnomAD 0.00001; TOPMed 0.00001.
gnomAD v4.1: 3 of 1,613,594 alleles (0.00019%); highest among the groups gnomAD compares: African/African-American, 0.0027%; no homozygotes.

Submissions (2):

Institute of Rare Diseases, West China Hospital, Sichuan University
Classification: Likely pathogenic for Autosomal recessive nonsyndromic hearing loss 7. Last evaluated: 2025-01-09. Review status: criteria provided, single submitter. Criteria: ClinGen HL ACMG Specifications v1. Collection method: research. Allele origin: germline. Affected: yes.
Comment: PM3;PM5;PM2_Supporting;PP3

WangQJ Lab, Chinese People's Liberation Army General Hospital
Classification: Uncertain significance for Autosomal recessive nonsyndromic hearing loss 7. Last evaluated: 2021-07-01. Review status: no assertion criteria provided. Collection method: clinical testing. Allele origin: paternal. Affected: yes. Not counted in ClinVar's aggregate classification.

NM_138691.3(TMC1):c.596A>G (p.Asn199Ser)

Gene: TMC1 (transmembrane channel like 1; plus strand). Cytogenetic location: 9q21.13.
Variant type: single nucleotide variant.
Coding change: c.596A>G on transcript NM_138691.3 (MANE Select); coding-DNA position 596, A replaced by G.
Protein change: p.Asn199Ser; replaces asparagine 199 with serine.
Molecular consequence: missense variant.
Genome position (GRCh38, 1-based): chr9:72,751,910, A>G. VCF-style: chr9-72751910-A-G. GRCh37 (hg19) VCF-style: chr9-75366826-A-G.
Other names: short protein forms N199S.
Identifiers: ClinVar variation 1185072 (VCV001185072.2), dbSNP rs756960425, ClinGen allele CA5081725.